The following is an entry in ClinVar:

NM_001370658.1(BTD):c.968G>T (p.Gly323Val)

Gene: BTD (biotinidase; plus strand). Cytogenetic location: 3p25.1.
Variant type: single nucleotide variant.
Coding change: c.968G>T on transcript NM_001370658.1 (MANE Select); coding-DNA position 968, G replaced by T.
Protein change: p.Gly323Val; replaces glycine 323 with valine.
Molecular consequence: missense variant. On other transcripts: intron variant (1).
Genome position (GRCh38, 1-based): chr3:15,644,884, G>T. VCF-style: chr3-15644884-G-T. GRCh37 (hg19) VCF-style: chr3-15686391-G-T.
Other names: c.968G>T, p.Gly323Val (NM_001407370.1, NM_001407371.1, NM_001407372.1 and 18 more transcripts); c.399+2827G>T (NM_001370753.1); c.1028G>T, p.Gly343Val (NM_000060.4); short protein forms G323V, G343V.
Identifiers: ClinVar variation 2043400 (VCV002043400.2), dbSNP rs144414845, ClinGen allele CA2277409.

ClinVar aggregate classification (germline): Uncertain significance (1 of 4 stars; one submission).

Conditions:
Biotinidase deficiency. Also called: BTD deficiency; Late-onset biotin-responsive multiple carboxylase deficiency; Biotin deficiency. Identifiers: Orphanet 79241, MedGen C0220754, MONDO:0009665, OMIM 253260.

Allele frequency attached by ClinVar (database versions not stated): TOPMed 0.00001; ExAC 0.00002; gnomAD exomes 0.00002; gnomAD 0.00003; 1000 Genomes Project 30x 0.00016; 1000 Genomes Project 0.00020.
gnomAD v4.1: 38 of 1,614,106 alleles (0.0024%); highest among the groups gnomAD compares: South Asian, 0.0044%; no homozygotes.

Submission:

Labcorp Genetics (formerly Invitae), Labcorp
Classification: Uncertain significance for Biotinidase deficiency. Last evaluated: 2023-12-19. Review status: criteria provided, single submitter. Criteria: Invitae Variant Classification Sherloc (09022015). Collection method: clinical testing. Allele origin: germline.
Comment: This sequence change replaces glycine, which is neutral and non-polar, with valine, which is neutral and non-polar, at codon 343 of the BTD protein (p.Gly343Val). This variant is present in population databases (rs144414845, gnomAD 0.01%). This variant has not been reported in the literature in individuals affected with BTD-related conditions. ClinVar contains an entry for this variant (Variation ID: 2043400). Advanced modeling of protein sequence and biophysical properties (such as structural, functional, and spatial information, amino acid conservation, physicochemical variation, residue mobility, and thermodynamic stability) has been performed at Invitae for this missense variant, however the output from this modeling did not meet the statistical confidence thresholds required to predict the impact of this variant on BTD protein function. In summary, the available evidence is currently insufficient to determine the role of this variant in disease. Therefore, it has been classified as a Variant of Uncertain Significance.